The following is an entry in ClinVar:

NM_000180.4(GUCY2D):c.2325G>T (p.Gln775His)

Gene: GUCY2D (guanylate cyclase 2D, retinal; plus strand). Cytogenetic location: 17p13.1.
Variant type: single nucleotide variant.
Coding change: c.2325G>T on transcript NM_000180.4 (MANE Select); coding-DNA position 2325, G replaced by T.
Protein change: p.Gln775His; replaces glutamine 775 with histidine.
Molecular consequence: missense variant.
Genome position (GRCh38, 1-based): chr17:8,013,941, G>T. VCF-style: chr17-8013941-G-T. GRCh37 (hg19) VCF-style: chr17-7917259-G-T.
Other names: short protein forms Q775H.
Identifiers: ClinVar variation 1034612 (VCV001034612.8), dbSNP rs368384232, ClinGen allele CA8366087.

ClinVar aggregate classification (germline): Uncertain significance (1 of 4 stars; one submission).

Conditions:
Cone-rod dystrophy 6 (CORD6). Also called: RETINAL CONE DYSTROPHY 2; Cone dystrophy progressive. Identifiers: Orphanet 1872, MedGen C1866293, MONDO:0011143, OMIM 601777.
Leber congenital amaurosis 1 (LCA1). Also called: Congenital absence of the rods and cones; Leber's congenital tapetoretinal degeneration; Leber's congenital tapetoretinal dysplasia; RETINAL BLINDNESS, CONGENITAL; AMAUROSIS CONGENITA OF LEBER I. Identifiers: Orphanet 65, MedGen C2931258, MONDO:0008764, OMIM 204000.

Allele frequency attached by ClinVar (database versions not stated): gnomAD 0.00001; ExAC 0.00002; TOPMed 0.00002; ESP Exome Variant Server 0.00008.
gnomAD v4.1: 3 of 1,613,470 alleles (0.00019%); highest among the groups gnomAD compares: African/African-American, 0.0027%; no homozygotes.

Submission:

Labcorp Genetics (formerly Invitae), Labcorp
Classification: Uncertain significance for Leber congenital amaurosis 1; Cone-rod dystrophy 6. Last evaluated: 2025-01-27. Review status: criteria provided, single submitter. Criteria: Invitae Variant Classification Sherloc (09022015). Collection method: clinical testing. Allele origin: germline.
Comment: This sequence change replaces glutamine, which is neutral and polar, with histidine, which is basic and polar, at codon 775 of the GUCY2D protein (p.Gln775His). This variant is present in population databases (rs368384232, gnomAD 0.02%). This variant has not been reported in the literature in individuals affected with GUCY2D-related conditions. ClinVar contains an entry for this variant (Variation ID: 1034612). Invitae Evidence Modeling of protein sequence and biophysical properties (such as structural, functional, and spatial information, amino acid conservation, physicochemical variation, residue mobility, and thermodynamic stability) indicates that this missense variant is not expected to disrupt GUCY2D protein function with a negative predictive value of 80%. In summary, the available evidence is currently insufficient to determine the role of this variant in disease. Therefore, it has been classified as a Variant of Uncertain Significance.